The following is an entry in ClinVar:

ClinVar aggregate classification (germline): Benign. Review status: criteria provided, multiple submitters, no conflicts (2 of 4 stars). 4 submissions from 4 submitters: Benign (3). 1 of the submissions does not count toward it. Last evaluated 2026-02-01.

Conditions:
LRRC8A-related disorder. Also called: LRRC8A-related condition.

Allele frequency attached by ClinVar (database versions not stated): gnomAD exomes 0.00961 and 0.01702; ExAC 0.01842; gnomAD 0.02953 and 0.02968; ESP Exome Variant Server 0.03091; TOPMed 0.03279; 1000 Genomes Project 30x 0.03935; 1000 Genomes Project 0.04173.
gnomAD v4.1: 18,822 of 1,614,064 alleles (1.2%); highest among the groups gnomAD compares: African/African-American, 8.4%; 552 homozygotes.

Submissions (4):

Labcorp Genetics (formerly Invitae), Labcorp
Classification: Benign. Last evaluated: 2026-02-01. Review status: criteria provided, single submitter. Criteria: Invitae Variant Classification Sherloc (09022015). Collection method: clinical testing. Allele origin: germline.

GeneDx
Classification: Benign. Last evaluated: 2018-11-12. Review status: criteria provided, single submitter. Criteria: GeneDx Variant Classification Process June 2021. Collection method: clinical testing. Allele origin: germline. Affected: yes.

Breakthrough Genomics
Classification: Benign. Review status: criteria provided, single submitter. Criteria: ACMG Guidelines, 2015. Collection method: not provided. Allele origin: germline. Inheritance: Autosomal dominant inheritance. Affected: yes.

PreventionGenetics, part of Exact Sciences
Classification: Benign for LRRC8A-related condition. Last evaluated: 2019-08-28. Review status: no assertion criteria provided. Collection method: clinical testing. Allele origin: germline. Not counted in ClinVar's aggregate classification.
Comment: This variant is classified as benign based on ACMG/AMP sequence variant interpretation guidelines (Richards et al. 2015 PMID: 25741868, with internal and published modifications).

NM_019594.4(LRRC8A):c.333T>C (p.Ala111=)

Gene: LRRC8A (leucine rich repeat containing 8 VRAC subunit A; plus strand). Cytogenetic location: 9q34.11.
Variant type: single nucleotide variant.
Coding change: c.333T>C on transcript NM_019594.4 (MANE Select); coding-DNA position 333, T replaced by C.
Protein change: p.Ala111=; no amino-acid change (alanine 111 retained).
Molecular consequence: synonymous variant.
Genome position (GRCh38, 1-based): chr9:128,907,497, T>C. VCF-style: chr9-128907497-T-C. GRCh37 (hg19) VCF-style: chr9-131669776-T-C.
Other names: c.333T>C, p.Ala111= (NM_001127244.2, NM_001127245.2).
Identifiers: ClinVar variation 1164444 (VCV001164444.13), dbSNP rs16930747, ClinGen allele CA5270702.
Genomic context (GRCh38, chr9:128,907,497, plus strand): 5'-CACGGGCCCCACAGGCATCAAGTATGACCTGGACCGGCACCAGTACAACTACGTGGACGC[T>C]GTGTGCTATGAGAACCGACTGCACTGGTTTGCCAAGTACTTCCCCTACCTGGTGCTTCTG-3'
Protein context (NP_062540.2, residues 101-121): LDRHQYNYVD[Ala111=]VCYENRLHWF